The following is an entry in ClinVar:

NM_004752.4(GCM2):c.345G>A (p.Lys115=)

Gene: GCM2 (glial cells missing transcription factor 2; minus strand). Cytogenetic location: 6p24.2.
Variant type: single nucleotide variant.
Coding change: c.345G>A on transcript NM_004752.4 (MANE Select); coding-DNA position 345, G replaced by A.
Protein change: p.Lys115=; no amino-acid change (lysine 115 retained).
Molecular consequence: synonymous variant.
Genome position (GRCh38, 1-based): chr6:10,876,556, C>T on the plus strand (G>A on the coding strand, the complement: GCM2 is on the minus strand). VCF-style: chr6-10876556-C-T. GRCh37 (hg19) VCF-style: chr6-10876789-C-T.
Identifiers: ClinVar variation 906894 (VCV000906894.6), dbSNP rs1040019354, ClinGen allele CA134131660.

ClinVar aggregate classification (germline): Uncertain significance. Review status: criteria provided, single submitter (1 of 4 stars). 2 submissions from 2 submitters: Uncertain significance (1). 1 of the submissions does not count toward it. Last evaluated 2018-01-12.

Conditions:
GCM2-related disorder. Also called: GCM2-related condition.
Familial hypoparathyroidism. Also called: Familial isolated hypoparathyroidism. Identifiers: Orphanet 2238, MedGen C1832648, MONDO:0016390.

Allele frequency attached by ClinVar (database versions not stated): gnomAD exomes below 0.00001; TOPMed 0.00002; gnomAD 0.00003 and 0.00004.
gnomAD v4.1: 5 of 1,592,896 alleles (0.00031%); highest among the groups gnomAD compares: African/African-American, 0.0067%; no homozygotes.

Submissions (2):

Illumina Laboratory Services, Illumina
Classification: Uncertain significance for Hypoparathyroidism, familial isolated 1. Last evaluated: 2018-01-12. Review status: criteria provided, single submitter. Criteria: ICSL Variant Classification Criteria 13 December 2019. Collection method: clinical testing. Allele origin: germline.

PreventionGenetics, part of Exact Sciences
Classification: Likely benign for GCM2-related condition. Last evaluated: 2020-11-06. Review status: no assertion criteria provided. Collection method: clinical testing. Allele origin: germline. Not counted in ClinVar's aggregate classification.
Comment: This variant is classified as likely benign based on ACMG/AMP sequence variant interpretation guidelines (Richards et al. 2015 PMID: 25741868, with internal and published modifications).